The following is an entry in ClinVar:

ClinVar aggregate classification (germline): Likely benign. Review status: criteria provided, multiple submitters, no conflicts (2 of 4 stars). 3 submissions from 3 submitters: Likely benign (2). 1 of the submissions does not count toward it. Last evaluated 2025-11-01.

Conditions:
FANCC-related disorder. Also called: FANCC-related condition.

Allele frequency attached by ClinVar (database versions not stated): TOPMed 0.00012; gnomAD 0.00013; ExAC 0.00088.
gnomAD v4.1: 228 of 1,548,212 alleles (0.015%); highest among the groups gnomAD compares: Middle Eastern, 0.033%; 1 homozygote.

Submissions (3):

CeGaT Center for Human Genetics Tuebingen
Classification: Likely benign. Last evaluated: 2025-11-01. Review status: criteria provided, single submitter. Criteria: CeGaT Center For Human Genetics Tuebingen Variant Classification Criteria Version 2. Collection method: clinical testing. Allele origin: germline. Affected: yes. Observed: 1 variant allele.
Comment: FANCC: BP4, BP7

Blueprint Genetics
Classification: Likely benign. Last evaluated: 2024-11-06. Review status: criteria provided, single submitter. Criteria: ACMG Guidelines, 2015. Collection method: clinical testing. Allele origin: germline.

PreventionGenetics, part of Exact Sciences
Classification: Likely benign for FANCC-related condition. Last evaluated: 2022-11-10. Review status: no assertion criteria provided. Collection method: clinical testing. Allele origin: germline. Not counted in ClinVar's aggregate classification.
Comment: This variant is classified as likely benign based on ACMG/AMP sequence variant interpretation guidelines (Richards et al. 2015 PMID: 25741868, with internal and published modifications).

NM_000136.3(FANCC):c.1329+198G>T

Genes: AOPEP (aminopeptidase O (putative); plus strand), FANCC (FA complementation group C; minus strand). Cytogenetic location: 9q22.32.
Variant type: single nucleotide variant.
Coding change: c.1329+198G>T on transcript NM_000136.3 (MANE Select); 198 bases into the intron after coding-DNA position 1329, G replaced by T.
Molecular consequence: intron variant. On other transcripts: synonymous variant (1).
Genome position (GRCh38, 1-based): chr9:95,111,265, C>A on the plus strand (G>T on the coding strand, the complement: FANCC is on the minus strand). VCF-style: chr9-95111265-C-A. GRCh37 (hg19) VCF-style: chr9-97873547-C-A.
Other names: c.1410G>T, p.Val470= (NM_001243744.2); c.1329+198G>T (NM_001243743.2).
Identifiers: ClinVar variation 3036969 (VCV003036969.9), dbSNP rs766479365, ClinGen allele CA5137364.